The following is an entry in ClinVar:

ClinVar aggregate classification (germline): Pathogenic/Likely pathogenic. Review status: criteria provided, multiple submitters, no conflicts (2 of 4 stars). 8 submissions from 8 submitters: Pathogenic (3); Likely pathogenic (3). 2 of the submissions do not count toward it. Last evaluated 2025-11-06.

Conditions:
Cardiovascular phenotype. Identifiers: MedGen CN230736.
Amyloidosis, hereditary systemic 1 (AMYLD1). Also called: Transthyretin Amyloidosis; Hereditary oculoleptomeningeal amyloid angiopathy; Familial Transthyretin Amyloidosis; AMYLOID CARDIOMYOPATHY; Isolated Cardiac Amyloidosis; Amyloid Cardiomyopathy, Transthyretin-related. Identifiers: Orphanet 85447, Orphanet 85451, MedGen C2751492, MONDO:0971004, OMIM 105210.

Allele frequency attached by ClinVar (database versions not stated): gnomAD 0.00001.
gnomAD v4.1: 2 of 1,613,960 alleles (0.00012%); highest among the groups gnomAD compares: Non-Finnish European, 0.00017%; no homozygotes.

Submissions (8):

Ambry Genetics
Classification: Likely pathogenic for Cardiovascular phenotype. Last evaluated: 2025-11-06. Review status: criteria provided, single submitter. Criteria: Ambry Variant Classification Scheme 2023. Collection method: clinical testing. Allele origin: germline.
Comment: The p.C30R variant (also known as c.88T>C), located in coding exon 2 of the TTR gene, results from a T to C substitution at nucleotide position 88. The cysteine at codon 30 is replaced by arginine, an amino acid with highly dissimilar properties. This variant, which is also known as p.C10R, was reported in individual(s) with features consistent with transthyretin (TTR) amyloidosis and related cardiomyopathy (Uemichi T et al. J Med Genet, 1992 Dec;29:888-91; Altland K et al. Electrophoresis, 2007 Jun;28:2053-64; Ueda M et al. Clin Chem, 2009 Jun;55:1223-7; Ihse E et al. Amyloid, 2013 Sep;20:142-50; Adams D et al. Neurology, 2015 Aug;85:675-82; Kristen AV et al. J Am Coll Cardiol, 2016 07;68:13-24; Suhr OB et al. Transplantation, 2016 Feb;100:373-81; Koutsis G et al. Neuromuscul Disord, 2021 Dec;31:1251-1258). This variant is considered to be rare based on population cohorts in the Genome Aggregation Database (gnomAD). This amino acid position is highly conserved in available vertebrate species. In addition, this alteration is predicted to be deleterious by in silico analysis. Based on the majority of available evidence to date, this variant is likely to be pathogenic.

Labcorp Genetics (formerly Invitae), Labcorp
Classification: Pathogenic for Amyloidosis, hereditary systemic 1. Last evaluated: 2024-11-05. Review status: criteria provided, single submitter. Criteria: Invitae Variant Classification Sherloc (09022015). Collection method: clinical testing. Allele origin: germline.
Comment: This sequence change replaces cysteine, which is neutral and slightly polar, with arginine, which is basic and polar, at codon 30 of the TTR protein (p.Cys30Arg). This variant is present in population databases (rs121918083, gnomAD 0.007%). This missense change has been observed in individual(s) with clinical features of hereditary transthyretin-mediated amyloidosis (hATTR amyloidosis) (PMID: 1362222, 24664531; internal data). It has also been observed to segregate with disease in related individuals. This variant is also known as Cys10Arg. ClinVar contains an entry for this variant (Variation ID: 13444). Invitae Evidence Modeling of protein sequence and biophysical properties (such as structural, functional, and spatial information, amino acid conservation, physicochemical variation, residue mobility, and thermodynamic stability) indicates that this missense variant is expected to disrupt TTR protein function with a positive predictive value of 95%. For these reasons, this variant has been classified as Pathogenic.

Athena Diagnostics
Classification: Pathogenic. Last evaluated: 2024-03-28. Review status: criteria provided, single submitter. Criteria: Athena Diagnostics Criteria. Collection method: clinical testing. Allele origin: unknown.
Comment: The frequency of this variant in the general population is consistent with pathogenicity. This variant has been identified in multiple unrelated individuals with clinical features associated with autosomal dominant hereditary transthyretin-related amyloidosis. This variant has been identified in at least one family with clinical features associated with this gene, where incomplete penetrance was noted (PMID: 1362222). In some published literature, this variant is referred to as p.Cys10Arg. Computational tools predict that this variant is damaging.

MGZ Medical Genetics Center
Classification: Likely pathogenic for Amyloidosis, hereditary systemic 1. Last evaluated: 2022-01-24. Review status: criteria provided, single submitter. Criteria: ACMG Guidelines, 2015. Collection method: clinical testing. Allele origin: germline. Affected: yes. Observed: 2 variant alleles.
Comment: ACMG criteria applied: PS4_MOD, PM1, PM2_SUP, PP1, PP3

CeGaT Center for Human Genetics Tuebingen
Classification: Pathogenic. Last evaluated: 2020-08-01. Review status: criteria provided, single submitter. Criteria: CeGaT Center For Human Genetics Tuebingen Variant Classification Criteria Version 2. Collection method: clinical testing. Allele origin: germline. Affected: yes. Observed: 1 variant allele.

Women's Health and Genetics/Laboratory Corporation of America, LabCorp
Classification: Likely pathogenic for Amyloidosis, hereditary systemic 1. Last evaluated: 2016-04-05. Review status: criteria provided, single submitter. Criteria: LabCorp Variant Classification Summary - May 2015. Collection method: clinical testing. Allele origin: germline.
Comment: Variant Summary: The c.88T>C variant involves the alteration of a conserved nucleotide and 4/4 in silico tools predict a pathogenic outcome. The variant, also known as Cys10Arg, involves the only free Cysteine in TTR and is hypothesized to cause structural changes in the heterozygous TTR dimer and tetramer that lead to polymerization of TTR molecules (Uemichi_1992). The variant is absent from the large, broad ExAC control population. The variant was found in multiple affected individuals in the literature, including a family in which all tested affected males carried the variant while three unaffected females also carried the variant, suggesting some role of sex in the occurrence of disease (Uemichi_1992). One clinical lab has classified the variant as "pathogenic". Therefore, taken together, this variant has been classified as Likely Pathogenic.

Molecular Genetics Laboratory, BC Children's and BC Women's Hospitals
Classification: Likely pathogenic for Amyloidosis, hereditary systemic 1. Last evaluated: 2025-11-10. Review status: no assertion criteria provided. Criteria: ACMG Guidelines, 2015. Collection method: clinical testing. Allele origin: germline. Not counted in ClinVar's aggregate classification.

OMIM
Classification: Pathogenic for AMYLOIDOSIS, HEREDITARY SYSTEMIC 1. Last evaluated: 1992-12-01. Review status: no assertion criteria provided. Collection method: literature only. Allele origin: germline. Not counted in ClinVar's aggregate classification.

Literature cited by the submitters: PubMed 1362222 (cited by 5 submitters); PubMed 17503405 (cited by 3 submitters); PubMed 19372189 (cited by Ambry Genetics and Women's Health and Genetics/Laboratory Corporation of America, LabCorp); PubMed 23713495 (cited by Ambry Genetics and Athena Diagnostics); PubMed 26208957 (cited by Ambry Genetics and Athena Diagnostics); PubMed 26656838 (cited by Ambry Genetics and Athena Diagnostics); PubMed 27364045 (cited by Ambry Genetics); PubMed 34740514 (cited by Ambry Genetics); PubMed 24664531 (cited by Labcorp Genetics (formerly Invitae), Labcorp and Athena Diagnostics); PubMed 35730447 (cited by Athena Diagnostics); PubMed 33283548 (cited by Athena Diagnostics); PubMed 34658264 (cited by Athena Diagnostics); PubMed 22620968 (cited by Athena Diagnostics); PubMed 7656439 (cited by Women's Health and Genetics/Laboratory Corporation of America, LabCorp); PubMed 14695346 (cited by Women's Health and Genetics/Laboratory Corporation of America, LabCorp); Benson, M. D. Characterization of an amyloid fibril protein in heredofamilial amyloidosis. (Abstract) Clin. Res. 28: 340A, 1980. (cited by OMIM).

NM_000371.4(TTR):c.88T>C (p.Cys30Arg)

Gene: TTR (transthyretin; plus strand). Cytogenetic location: 18q12.1.
Variant type: single nucleotide variant.
Coding change: c.88T>C on transcript NM_000371.4 (MANE Select); coding-DNA position 88, T replaced by C.
Protein change: p.Cys30Arg; replaces cysteine 30 with arginine.
Molecular consequence: missense variant.
Genome position (GRCh38, 1-based): chr18:31,592,914, T>C. VCF-style: chr18-31592914-T-C. GRCh37 (hg19) VCF-style: chr18-29172877-T-C.
Other names: C10R; short protein forms C30R.
Identifiers: ClinVar variation 13444 (VCV000013444.53), dbSNP rs121918083, ClinGen allele CA256833.